The following is an entry in ClinVar:

ClinVar aggregate classification (germline): Uncertain significance (1 of 4 stars; one submission).

Conditions:
Dilated cardiomyopathy 1G (CMD1G). Identifiers: Orphanet 154, MedGen C1858763, MONDO:0011400, OMIM 604145.
Autosomal recessive limb-girdle muscular dystrophy type 2J (LGMDR10). Also called: Limb-girdle muscular dystrophy, type 2J; MUSCULAR DYSTROPHY, LIMB-GIRDLE, AUTOSOMAL RECESSIVE 10. Identifiers: Orphanet 140922, MedGen C1837342, MONDO:0012127, OMIM 608807.

Allele frequency attached by ClinVar (database versions not stated): gnomAD 0.00001.
gnomAD v4.1: 4 of 1,605,574 alleles (0.00025%); highest among the groups gnomAD compares: Non-Finnish European, 0.00034%; no homozygotes.

Submission:

Labcorp Genetics (formerly Invitae), Labcorp
Classification: Uncertain significance for Dilated cardiomyopathy 1G; Autosomal recessive limb-girdle muscular dystrophy type 2J. Last evaluated: 2025-01-06. Review status: criteria provided, single submitter. Criteria: Invitae Variant Classification Sherloc (09022015). Collection method: clinical testing. Allele origin: germline.
Comment: This sequence change falls in intron 58 of the TTN gene. It does not directly change the encoded amino acid sequence of the TTN protein. It affects a nucleotide within the consensus splice site. This variant is not present in population databases (gnomAD no frequency). This variant has not been reported in the literature in individuals affected with TTN-related conditions. ClinVar contains an entry for this variant (Variation ID: 1045210). Variants that disrupt the consensus splice site are a relatively common cause of aberrant splicing (PMID: 17576681, 9536098). Algorithms developed to predict the effect of sequence changes on RNA splicing suggest that this variant may disrupt the consensus splice site. This variant is located in the I band of TTN (PMID: 25589632). Non-truncating variants in this region may be clinically relevant, but have not been definitively shown to cause cardiomyopathy or neuromuscular disease (PMID: 27493940, 32778822). In summary, the available evidence is currently insufficient to determine the role of this variant in disease. Therefore, it has been classified as a Variant of Uncertain Significance.

Literature cited by the submitters: PubMed 17576681; PubMed 9536098; PubMed 25589632; PubMed 27493940; PubMed 32778822.

NM_001267550.2(TTN):c.17182+5G>T

Genes: TTN (titin; minus strand), LOC126806431 (CDK7 strongly-dependent group 2 enhancer GRCh37_chr2:179595719-179596918; plus strand). Cytogenetic location: 2q31.2.
Variant type: single nucleotide variant.
Coding change: c.17182+5G>T on transcript NM_001267550.2 (MANE Select); 5 bases into the intron after coding-DNA position 17182, G replaced by T.
Molecular consequence: intron variant.
Genome position (GRCh38, 1-based): chr2:178,731,688, C>A on the plus strand (G>T on the coding strand, the complement: TTN is on the minus strand). VCF-style: chr2-178731688-C-A. GRCh37 (hg19) VCF-style: chr2-179596415-C-A.
Other names: c.13282+6394G>T (NM_003319.4); c.13858+6394G>T (NM_133437.4); c.13657+6394G>T (NM_133432.3); c.13450+5G>T (NM_133378.4); c.16231+5G>T (NM_001256850.1).
Identifiers: ClinVar variation 1045210 (VCV001045210.9), dbSNP rs2080545375, ClinGen allele CA1039716676.